The following is an entry in ClinVar:

ClinVar aggregate classification (germline): Pathogenic. Review status: criteria provided, single submitter (1 of 4 stars). 2 submissions from 2 submitters: Pathogenic (1). 1 of the submissions does not count toward it. Last evaluated 2026-02-17.

Conditions:
Respiratory infections, recurrent, and failure to thrive with or without diarrhea (RIFTD). Identifiers: MedGen C5774306, MONDO:0859370, OMIM 620233.

gnomAD v4.1: 2 of 1,609,710 alleles (0.00012%); highest among the groups gnomAD compares: South Asian, 0.0011%; no homozygotes.

Submissions (2):

GeneDx
Classification: Pathogenic. Last evaluated: 2026-02-17. Review status: criteria provided, single submitter. Criteria: GeneDx Variant Classification Process June 2021. Collection method: clinical testing. Allele origin: germline.
Comment: Canonical splice site variant predicted to result in a null allele in a gene for which loss of function is a known mechanism of disease; Not observed in large population cohorts (gnomAD); This variant is associated with the following publications: (PMID: 34952832)

OMIM
Classification: Pathogenic for RESPIRATORY INFECTIONS, RECURRENT, AND FAILURE TO THRIVE WITH OR WITHOUT DIARRHEA. Last evaluated: 2023-01-31. Review status: no assertion criteria provided. Collection method: literature only. Allele origin: germline. Not counted in ClinVar's aggregate classification.

Literature cited by the submitters: PubMed 34952832 (cited by OMIM).

NM_006408.4(AGR2):c.330+1G>T

Gene: AGR2 (anterior gradient 2, protein disulphide isomerase family member; minus strand). Cytogenetic location: 7p21.1.
Variant type: single nucleotide variant.
Coding change: c.330+1G>T on transcript NM_006408.4 (MANE Select); the canonical splice donor site of the intron after coding-DNA position 330, G replaced by T.
Molecular consequence: splice donor variant.
Genome position (GRCh38, 1-based): chr7:16,799,743, C>A on the plus strand (G>T on the coding strand, the complement: AGR2 is on the minus strand). VCF-style: chr7-16799743-C-A. GRCh37 (hg19) VCF-style: chr7-16839367-C-A.
Other names: IVS5, G-T, +1.
Identifiers: ClinVar variation 2443887 (VCV002443887.2), dbSNP rs1483660993, ClinGen allele CA366889112.